The following is an entry in ClinVar:

ClinVar aggregate classification (germline): Conflicting classifications of pathogenicity. Review status: criteria provided, conflicting classifications (1 of 4 stars). 2 submissions from 2 submitters: Uncertain significance (1); Likely benign (1). Last evaluated 2025-06-17.

Conditions:
COL11A2-related disorder. Also called: COL11A2-related disorders; COL11A2-related condition.

Allele frequency attached by ClinVar (database versions not stated): gnomAD exomes below 0.00001; ExAC 0.00001; TOPMed 0.00001.
gnomAD v4.1: 2 of 1,607,854 alleles (0.00012%); highest among the groups gnomAD compares: East Asian, 0.0022%; no homozygotes.

Submissions (2):

PreventionGenetics, part of Exact Sciences
Classification: Uncertain significance for COL11A2-related condition. Last evaluated: 2025-06-17. Review status: criteria provided, single submitter. Criteria: ACMG Guidelines, 2015. Collection method: clinical testing. Allele origin: germline.
Comment: The COL11A2 c.2205G>A variant is not predicted to result in an amino acid change (p.=). This variant is predicted to create a cryptic splice donor site (SpliceAI, Jaganathan et al. 2019. PubMed ID: 30661751). To our knowledge, this variant has not been reported in the literature. This variant is reported in 0.011% of alleles in individuals of East Asian descent in gnomAD. At this time, the clinical significance of this variant is uncertain due to the absence of conclusive functional and genetic evidence.

Labcorp Genetics (formerly Invitae), Labcorp
Classification: Likely benign. Last evaluated: 2024-12-31. Review status: criteria provided, single submitter. Criteria: Invitae Variant Classification Sherloc (09022015). Collection method: clinical testing. Allele origin: germline.

NM_080680.3(COL11A2):c.2205G>A (p.Lys735=)

Gene: COL11A2 (collagen type XI alpha 2 chain; minus strand). Cytogenetic location: 6p21.32.
Variant type: single nucleotide variant.
Coding change: c.2205G>A on transcript NM_080680.3 (MANE Select); coding-DNA position 2205, G replaced by A.
Protein change: p.Lys735=; no amino-acid change (lysine 735 retained).
Molecular consequence: synonymous variant.
Genome position (GRCh38, 1-based): chr6:33,176,268, C>T on the plus strand (G>A on the coding strand, the complement: COL11A2 is on the minus strand). VCF-style: chr6-33176268-C-T. GRCh37 (hg19) VCF-style: chr6-33144045-C-T.
Other names: c.2025G>A, p.Lys675= (NM_001424108.1); c.1359G>A, p.Lys453= (NM_001424109.1); c.1179G>A, p.Lys393= (NM_001424110.1, NM_001424111.1); c.159G>A, p.Lys53= (NM_001424112.1); c.1884G>A, p.Lys628= (NM_080679.3); c.1947G>A, p.Lys649= (NM_080681.3); c.2205G>A (NM_080680.2).
Identifiers: ClinVar variation 2800297 (VCV002800297.4), dbSNP rs777610997, ClinGen allele CA3751007.